The following is an entry in ClinVar:

ClinVar aggregate classification (germline): Uncertain significance (1 of 4 stars; one submission).

Conditions:
Inborn genetic diseases. Identifiers: MedGen C0950123, MeSH D030342.

Submission:

Ambry Genetics
Classification: Uncertain significance for Inborn genetic diseases. Last evaluated: 2023-07-09. Review status: criteria provided, single submitter. Criteria: Ambry Variant Classification Scheme 2023. Collection method: clinical testing. Allele origin: germline.
Comment: The p.N382S variant (also known as c.1145A>G), located in coding exon 10 of the LRRK2 gene, results from an A to G substitution at nucleotide position 1145. The asparagine at codon 382 is replaced by serine, an amino acid with highly similar properties. This amino acid position is conserved. In addition, this alteration is predicted to be tolerated by in silico analysis. Since supporting evidence is limited at this time, the clinical significance of this alteration remains unclear.

NM_198578.4(LRRK2):c.1145A>G (p.Asn382Ser)

Gene: LRRK2 (leucine rich repeat kinase 2; plus strand). Cytogenetic location: 12q12.
Variant type: single nucleotide variant.
Coding change: c.1145A>G on transcript NM_198578.4 (MANE Select); coding-DNA position 1145, A replaced by G.
Protein change: p.Asn382Ser; replaces asparagine 382 with serine.
Molecular consequence: missense variant.
Genome position (GRCh38, 1-based): chr12:40,251,508, A>G. VCF-style: chr12-40251508-A-G. GRCh37 (hg19) VCF-style: chr12-40645310-A-G.
Other names: short protein forms N382S.
Identifiers: ClinVar variation 2587254 (VCV002587254.2), dbSNP rs2499505611, ClinGen allele CA384408156.